The following is an entry in ClinVar:

NM_001122769.3(LCA5):c.1061dup (p.Tyr354Ter)

Gene: LCA5 (lebercilin LCA5; minus strand). Cytogenetic location: 6q14.1.
Variant type: Duplication.
Coding change: c.1061dup on transcript NM_001122769.3 (MANE Select); coding-DNA position 1061, one base duplicated (A; older notation c.1061dupA).
Protein change: p.Tyr354Ter; replaces tyrosine 354 with a stop codon.
Molecular consequence: nonsense.
Genome position (GRCh38, 1-based): chr6:79,491,625, T duplicated on the plus strand (A on the coding strand, the reverse complement: LCA5 is on the minus strand). VCF-style (leftmost placement, unchanged base first): chr6-79491624-G-GT. GRCh37 (hg19) VCF-style: chr6-80201341-G-GT.
Other names: c.1061dup, p.Tyr354Ter (NM_181714.4); short protein forms Y354*.
Identifiers: ClinVar variation 2131945 (VCV002131945.4), dbSNP rs2533385678, ClinGen allele CA2580075887.

ClinVar aggregate classification (germline): Pathogenic (1 of 4 stars; one submission).

Submission:

Labcorp Genetics (formerly Invitae), Labcorp
Classification: Pathogenic. Last evaluated: 2022-04-29. Review status: criteria provided, single submitter. Criteria: Invitae Variant Classification Sherloc (09022015). Collection method: clinical testing. Allele origin: germline.
Comment: For these reasons, this variant has been classified as Pathogenic. This premature translational stop signal has been observed in individual(s) with Leber congenital amaurosis (PMID: 24474277). This variant is not present in population databases (gnomAD no frequency). This sequence change creates a premature translational stop signal (p.Tyr354*) in the LCA5 gene. It is expected to result in an absent or disrupted protein product. Loss-of-function variants in LCA5 are known to be pathogenic (PMID: 17546029, 23946133).

Literature cited by the submitters: PubMed 24474277; PubMed 17546029; PubMed 23946133.